The following is an entry in ClinVar:

NM_006904.7(PRKDC):c.1514C>G (p.Ser505Cys)

Gene: PRKDC (protein kinase, DNA-activated, catalytic subunit; minus strand). Cytogenetic location: 8q11.21.
Variant type: single nucleotide variant.
Coding change: c.1514C>G on transcript NM_006904.7 (MANE Select); coding-DNA position 1514, C replaced by G.
Protein change: p.Ser505Cys; replaces serine 505 with cysteine.
Molecular consequence: missense variant.
Genome position (GRCh38, 1-based): chr8:47,934,074, G>C on the plus strand (C>G on the coding strand, the complement: PRKDC is on the minus strand). VCF-style: chr8-47934074-G-C. GRCh37 (hg19) VCF-style: chr8-48846634-G-C.
Other names: c.1514C>G, p.Ser505Cys (NM_001081640.2); short protein forms S505C.
Identifiers: ClinVar variation 3425241 (VCV003425241.1).

ClinVar aggregate classification (germline): Uncertain significance (1 of 4 stars; one submission).

gnomAD v4.1: 1 of 1,613,518 alleles (0.000062%); highest among the groups gnomAD compares: Non-Finnish European, 0.000085%; no homozygotes.

Submission:

Ambry Genetics
Classification: Uncertain significance. Last evaluated: 2024-06-28. Review status: criteria provided, single submitter. Criteria: Ambry Variant Classification Scheme 2023. Collection method: clinical testing. Allele origin: germline.
Comment: The p.S505C variant (also known as c.1514C>G), located in coding exon 15 of the PRKDC gene, results from a C to G substitution at nucleotide position 1514. The serine at codon 505 is replaced by cysteine, an amino acid with dissimilar properties. This amino acid position is conserved. In addition, this alteration is predicted to be tolerated by in silico analysis. Based on the available evidence, the clinical significance of this variant remains unclear.